The following is an entry in ClinVar:

ClinVar aggregate classification (germline): Likely pathogenic (1 of 4 stars; one submission).

Conditions:
Renal cysts and diabetes syndrome (RCAD). Also called: Familial hypoplastic, glomerulocystic kidney; MATURITY-ONSET DIABETES OF THE YOUNG, TYPE 5. Identifiers: Orphanet 93111, MedGen C0431693, MONDO:0007669, OMIM 137920.

Submission:

Institute of Human Genetics, FAU Erlangen, Friedrich-Alexander-Universität Erlangen-Nürnberg
Classification: Likely pathogenic for Renal cysts and diabetes syndrome. Last evaluated: 2019-07-06. Review status: criteria provided, single submitter. Criteria: ACMG Guidelines, 2015. Collection method: literature only. Allele origin: germline. Affected: yes.
Comment: This variant and it's classification has been reported by Vasileiou et al. 2019; DOI:10.1101/576918. The variants has previously been reported in PMID:24897035 as "c.460 C>T p.Leu154Phe" with clinical significance Pathogenic. It has been re-classified using InterVar and manual curation as Likely pathogenic based on PM1 PM2 PP3 PP5.

Literature cited by the submitters: PubMed 24897035; DOI 10.1101/576918.

NM_000458.4(HNF1B):c.460C>T (p.Leu154Phe)

Gene: HNF1B (HNF1 homeobox B; minus strand). Cytogenetic location: 17q12.
Variant type: single nucleotide variant.
Coding change: c.460C>T on transcript NM_000458.4 (MANE Select); coding-DNA position 460, C replaced by T.
Protein change: p.Leu154Phe; replaces leucine 154 with phenylalanine.
Molecular consequence: missense variant.
Genome position (GRCh38, 1-based): chr17:37,739,524, G>A on the plus strand (C>T on the coding strand, the complement: HNF1B is on the minus strand). VCF-style: chr17-37739524-G-A. GRCh37 (hg19) VCF-style: chr17-36099515-G-A.
Other names: c.460C>T, p.Leu154Phe (NM_001165923.4, NM_001304286.2); short protein forms L154F.
Identifiers: ClinVar variation 635694 (VCV000635694.1), dbSNP rs2511829055, ClinGen allele CA398751367.